The following is an entry in ClinVar:

NM_004415.4(DSP):c.4075A>G (p.Ile1359Val)

Gene: DSP (desmoplakin; plus strand). Cytogenetic location: 6p24.3.
Variant type: single nucleotide variant.
Coding change: c.4075A>G on transcript NM_004415.4 (MANE Select); coding-DNA position 4075, A replaced by G.
Protein change: p.Ile1359Val; replaces isoleucine 1359 with valine.
Molecular consequence: missense variant. On other transcripts: intron variant (2).
Genome position (GRCh38, 1-based): chr6:7,580,265, A>G. VCF-style: chr6-7580265-A-G. GRCh37 (hg19) VCF-style: chr6-7580498-A-G.
Other names: c.4050+25A>G (NM_001319034.2); c.3582+493A>G (NM_001008844.3); short protein forms I1359V.
Identifiers: ClinVar variation 3505489 (VCV003505489.1).

ClinVar aggregate classification (germline): Uncertain significance (1 of 4 stars; one submission).

Conditions:
Cardiovascular phenotype. Identifiers: MedGen CN230736.

gnomAD v4.1: 1 of 1,613,866 alleles (0.000062%); highest among the groups gnomAD compares: Non-Finnish European, 0.000085%; no homozygotes.

Submission:

Ambry Genetics
Classification: Uncertain significance for Cardiovascular phenotype. Last evaluated: 2024-08-19. Review status: criteria provided, single submitter. Criteria: Ambry Variant Classification Scheme 2023. Collection method: clinical testing. Allele origin: germline.
Comment: The p.I1359V variant (also known as c.4075A>G), located in coding exon 23 of the DSP gene, results from an A to G substitution at nucleotide position 4075. The isoleucine at codon 1359 is replaced by valine, an amino acid with highly similar properties. This amino acid position is conserved. In addition, the in silico prediction for this alteration is inconclusive. Based on the available evidence, the clinical significance of this variant remains unclear.